The following is an entry in ClinVar:

ClinVar aggregate classification (germline): Likely benign. Review status: criteria provided, multiple submitters, no conflicts (2 of 4 stars). 3 submissions from 3 submitters: Likely benign (3). Last evaluated 2026-05-18.

Conditions:
INVS-related disorder. Also called: INVS-related condition.
Nephronophthisis. Also called: Juvenile Nephronophthisis. Identifiers: Orphanet 655, MedGen C0687120, MONDO:0019005, HP:0000090.

Allele frequency attached by ClinVar (database versions not stated): TOPMed 0.00002.
gnomAD v4.1: 8 of 1,612,178 alleles (0.0005%); highest among the groups gnomAD compares: African/African-American, 0.0013%; no homozygotes.

Submissions (3):

PreventionGenetics, part of Exact Sciences
Classification: Likely benign for INVS-related condition. Last evaluated: 2026-05-18. Review status: criteria provided, single submitter. Criteria: ACMG Guidelines, 2015. Collection method: clinical testing. Allele origin: germline.
Comment: This variant is classified as likely benign based on ACMG/AMP sequence variant interpretation guidelines (Richards et al. 2015 PMID: 25741868, with internal and published modifications).

Labcorp Genetics (formerly Invitae), Labcorp
Classification: Likely benign for Nephronophthisis. Last evaluated: 2025-01-23. Review status: criteria provided, single submitter. Criteria: Invitae Variant Classification Sherloc (09022015). Collection method: clinical testing. Allele origin: germline.

Blueprint Genetics
Classification: Likely benign. Last evaluated: 2024-07-30. Review status: criteria provided, single submitter. Criteria: ACMG Guidelines, 2015. Collection method: clinical testing. Allele origin: germline.

NM_014425.5(INVS):c.1784+8T>G

Gene: INVS (inversin; plus strand). Cytogenetic location: 9q31.1.
Variant type: single nucleotide variant.
Coding change: c.1784+8T>G on transcript NM_014425.5 (MANE Select); 8 bases into the intron after coding-DNA position 1784, T replaced by G.
Molecular consequence: intron variant.
Genome position (GRCh38, 1-based): chr9:100,273,084, T>G. VCF-style: chr9-100273084-T-G. GRCh37 (hg19) VCF-style: chr9-103035366-T-G.
Other names: c.1496+8T>G (NM_001318381.2); c.806+8T>G (NM_001318382.2); c.1784+8T>G (NM_014425.4).
Identifiers: ClinVar variation 704777 (VCV000704777.12), dbSNP rs781669059, ClinGen allele CA196885374.